The following is an entry in ClinVar:

ClinVar aggregate classification (germline): Likely pathogenic (1 of 4 stars; one submission).

Conditions:
Peroxisome biogenesis disorder 9B. Also called: PEROXISOME BIOGENESIS DISORDER, PEX7-RELATED, ATYPICAL; PEX7-Related Refsum Disease; Refsum disease, adult, 2. Identifiers: Orphanet 773, MedGen C2749346, MONDO:0013945, OMIM 614879.

Submission:

Labcorp Genetics (formerly Invitae), Labcorp
Classification: Likely pathogenic for Peroxisome biogenesis disorder 9B. Last evaluated: 2020-08-05. Review status: criteria provided, single submitter. Criteria: Invitae Variant Classification Sherloc (09022015). Collection method: clinical testing. Allele origin: germline.
Comment: In summary, the currently available evidence indicates that the variant is pathogenic, but additional data are needed to prove that conclusively. Therefore, this variant has been classified as Likely Pathogenic. Loss-of-function variants in PEX7 are known to be pathogenic (PMID: 12325024, 12522768, 20301447). This variant results in a copy number gain of the genomic region encompassing exon(s) 6-7 of the PEX7 gene. While the exact position of this variant cannot be determined from the data, sub-genic copy number gains are generally in tandem (PMID: 25640679). This variant is predicted to be out-of-frame, and may result in an absent or disrupted protein product. This variant has not been reported in the literature in individuals with PEX7-related conditions.

Literature cited by the submitters: PubMed 12325024; PubMed 12522768; PubMed 20301447; PubMed 25640679.

NC_000006.11:g.(?_137187765)_(137191141_?)dup

Gene: PEX7 (peroxisomal biogenesis factor 7; plus strand). Cytogenetic location: 6q23.3.
Variant type: Duplication.
Identifiers: ClinVar variation 1067455 (VCV001067455.5).